The following is an entry in ClinVar:

ClinVar aggregate classification (germline): Likely benign (0 of 4 stars; one submission).

Conditions:
EPPK1-related disorder. Also called: EPPK1-related condition.

Submission:

PreventionGenetics, part of Exact Sciences
Classification: Likely benign for EPPK1-related condition. Last evaluated: 2023-02-15. Review status: no assertion criteria provided. Collection method: clinical testing. Allele origin: germline.
Comment: This variant is classified as likely benign based on ACMG/AMP sequence variant interpretation guidelines (Richards et al. 2015 PMID: 25741868, with internal and published modifications).

NM_031308.4(EPPK1):c.6171G>C (p.Pro2057=)

Gene: EPPK1 (epiplakin 1; minus strand). Cytogenetic location: 8q24.3.
Variant type: single nucleotide variant.
Coding change: c.6171G>C on transcript NM_031308.4 (MANE Select); coding-DNA position 6171, G replaced by C.
Protein change: p.Pro2057=; no amino-acid change (proline 2057 retained).
Molecular consequence: synonymous variant.
Genome position (GRCh38, 1-based): chr8:143,867,083, C>G on the plus strand (G>C on the coding strand, the complement: EPPK1 is on the minus strand). VCF-style: chr8-143867083-C-G. GRCh37 (hg19) VCF-style: chr8-144941251-C-G.
Identifiers: ClinVar variation 3053934 (VCV003053934.2), dbSNP rs554910033, ClinGen allele CA463525401.